The following is an entry in ClinVar:

ClinVar aggregate classification (germline): Uncertain significance. Review status: criteria provided, single submitter (1 of 4 stars). 3 submissions from 3 submitters: Uncertain significance (1). 2 of the submissions do not count toward it. Last evaluated 2025-10-22.

Conditions:
MEGF8-related Carpenter syndrome. Also called: Carpenter syndrome 2. Identifiers: Orphanet 65759, MedGen C3554247, MONDO:0013998, OMIM 614976.

Allele frequency attached by ClinVar (database versions not stated): gnomAD 0.00001; TOPMed 0.00001; gnomAD exomes 0.00002.
gnomAD v4.1: 24 of 1,611,952 alleles (0.0015%); highest among the groups gnomAD compares: Non-Finnish European, 0.002%; no homozygotes.

Submissions (3):

Labcorp Genetics (formerly Invitae), Labcorp
Classification: Uncertain significance for MEGF8-related Carpenter syndrome. Last evaluated: 2025-10-22. Review status: criteria provided, single submitter. Criteria: Invitae Variant Classification Sherloc (09022015). Collection method: clinical testing. Allele origin: germline.
Comment: This sequence change replaces arginine, which is basic and polar, with glutamine, which is neutral and polar, at codon 759 of the MEGF8 protein (p.Arg759Gln). This variant is present in population databases (rs775071124, gnomAD 0.004%). This variant has not been reported in the literature in individuals affected with MEGF8-related conditions. ClinVar contains an entry for this variant (Variation ID: 1206013). An algorithm developed to predict the effect of missense changes on protein structure and function (PolyPhen-2) suggests that this variant is likely to be disruptive. In summary, the available evidence is currently insufficient to determine the role of this variant in disease. Therefore, it has been classified as a Variant of Uncertain Significance.

Clinical Genetics DNA and cytogenetics Diagnostics Lab, Erasmus MC, Erasmus Medical Center
Classification: Uncertain significance. Review status: no assertion criteria provided. Collection method: clinical testing. Allele origin: germline. Affected: yes. Study: VKGL Data-share Consensus. Not counted in ClinVar's aggregate classification.

Laboratory of Diagnostic Genome Analysis, Leiden University Medical Center (LUMC)
Classification: Uncertain significance. Review status: no assertion criteria provided. Collection method: clinical testing. Allele origin: germline. Affected: yes. Study: VKGL Data-share Consensus. Not counted in ClinVar's aggregate classification.

NM_001271938.2(MEGF8):c.2477G>A (p.Arg826Gln)

Gene: MEGF8 (multiple EGF like domains 8; plus strand). Cytogenetic location: 19q13.2.
Variant type: single nucleotide variant.
Coding change: c.2477G>A on transcript NM_001271938.2 (MANE Select); coding-DNA position 2477, G replaced by A.
Protein change: p.Arg826Gln; replaces arginine 826 with glutamine.
Molecular consequence: missense variant.
Genome position (GRCh38, 1-based): chr19:42,349,677, G>A. VCF-style: chr19-42349677-G-A. GRCh37 (hg19) VCF-style: chr19-42853829-G-A.
Other names: c.2276G>A, p.Arg759Gln (NM_001410.3); short protein forms R759Q, R826Q.
Identifiers: ClinVar variation 1206013 (VCV001206013.8), dbSNP rs775071124, ClinGen allele CA308631927.